The following is an entry in ClinVar:

ClinVar aggregate classification (germline): Likely pathogenic (1 of 4 stars; one submission).

Submission:

Mayo Clinic Laboratories, Mayo Clinic
Classification: Likely pathogenic. Last evaluated: 2022-04-04. Review status: criteria provided, single submitter. Criteria: ACMG Guidelines, 2015. Collection method: clinical testing. Allele origin: germline. Observed: 1 variant allele.
Comment: PM2, PVS1

NM_000037.4(ANK1):c.533del (p.His178fs)

Genes: ANK1 (ankyrin 1; minus strand), LOC124153154 (Sharpr-MPRA regulatory region 1462; plus strand). Cytogenetic location: 8p11.21.
Variant type: Deletion.
Coding change: c.533del on transcript NM_000037.4 (MANE Select); coding-DNA position 533, one base deleted (A; older notation c.533delA).
Protein change: p.His178fs; shifts the reading frame from histidine 178.
Molecular consequence: frameshift variant.
Genome position (GRCh38, 1-based): chr8:41,725,840, T deleted on the plus strand (A on the coding strand, the reverse complement: ANK1 is on the minus strand). VCF-style (leftmost placement, unchanged base first): chr8-41725839-GT-G. GRCh37 (hg19) VCF-style: chr8-41583357-GT-G.
Other names: c.632del, p.His211fs (NM_001142446.2); c.533del, p.His178fs (NM_020475.3, NM_020476.3, NM_020477.3); short protein forms H178fs, H211fs.
Identifiers: ClinVar variation 2683401 (VCV002683401.1), dbSNP rs2486987534, ClinGen allele CA2697549885.
Genomic context (GRCh38, chr8:41,725,839, plus strand): 5'-GTTGGGGTCGTTCTGCAGCAGCACCGCAGCCGTGCGCGTGTCGTCGTTGCGGGCCGCGAT[GT>G]GCAGGGCCGGGAGGCGCACCTTCCCCTTGGTGCCGTAGTTGATGAGGTGCGCGACGACGT-3'